The following is an entry in ClinVar:

ClinVar aggregate classification (germline): Uncertain significance (1 of 4 stars; one submission).

Conditions:
Inborn genetic diseases. Identifiers: MedGen C0950123, MeSH D030342.

gnomAD v4.1: 1 of 1,612,598 alleles (0.000062%); highest among the groups gnomAD compares: Non-Finnish European, 0.000085%; no homozygotes.

Submission:

Ambry Genetics
Classification: Uncertain significance for Inborn genetic diseases. Last evaluated: 2026-06-14. Review status: criteria provided, single submitter. Criteria: Ambry Variant Classification Scheme 2023. Collection method: clinical testing. Allele origin: germline.
Comment: The p.G289S variant (also known as c.865G>A), located in coding exon 7 of the DNMT3A gene, results from a G to A substitution at nucleotide position 865. The glycine at codon 289 is replaced by serine, an amino acid with similar properties. This amino acid position is conserved. In addition, the in silico prediction for this alteration is inconclusive. Based on the available evidence, the clinical significance of this variant remains unclear.

NM_022552.5(DNMT3A):c.865G>A (p.Gly289Ser)

Gene: DNMT3A (DNA methyltransferase 3 alpha; minus strand). Cytogenetic location: 2p23.3.
Variant type: single nucleotide variant.
Coding change: c.865G>A on transcript NM_022552.5 (MANE Select); coding-DNA position 865, G replaced by A.
Protein change: p.Gly289Ser; replaces glycine 289 with serine.
Molecular consequence: missense variant. On other transcripts: non-coding transcript variant (1).
Genome position (GRCh38, 1-based): chr2:25,247,740, C>T on the plus strand (G>A on the coding strand, the complement: DNMT3A is on the minus strand). VCF-style: chr2-25247740-C-T. GRCh37 (hg19) VCF-style: chr2-25470609-C-T.
Other names: c.409G>A, p.Gly137Ser (NM_001320893.1); c.196G>A, p.Gly66Ser (NM_001375819.1); c.298G>A, p.Gly100Ser (NM_153759.3); c.865G>A, p.Gly289Ser (NM_175629.2); short protein forms G100S, G137S, G289S, G66S.
Identifiers: ClinVar variation 4870054 (VCV004870054.1).